The following is an entry in ClinVar:

NM_053025.4(MYLK):c.*419C>T

Genes: MYLK-AS1 (MYLK antisense RNA 1; plus strand), MYLK (myosin light chain kinase; minus strand). Cytogenetic location: 3q21.1.
Variant type: single nucleotide variant.
Coding change: c.*419C>T on transcript NM_053025.4 (MANE Select); 419 bases downstream of the stop codon, C replaced by T.
Molecular consequence: 3 prime UTR variant.
Genome position (GRCh38, 1-based): chr3:123,613,686, G>A on the plus strand (C>T on the coding strand, the complement: MYLK is on the minus strand). VCF-style: chr3-123613686-G-A. GRCh37 (hg19) VCF-style: chr3-123332533-G-A.
Other names: c.*419C>T (NM_001321309.2, NM_053026.4, NM_053027.4 and 3 more transcripts).
Identifiers: ClinVar variation 342851 (VCV000342851.5), dbSNP rs115932105, ClinGen allele CA10616951.
Genomic context (GRCh38, chr3:123,613,686, plus strand): 5'-TTTCAGAAATGAATTGCTGGAGTACTGGGAGAAAACCCAGTTCTCTAGAGTCAGGGGGTG[G>A]GGAGAGAGAGGCCTCCCATCCCCAGGAACCCTCTGGGCTGAGCTGTGGCCCAGAACTCTT-3'

ClinVar aggregate classification (germline): Benign (1 of 4 stars; one submission).

Conditions:
Aortic aneurysm, familial thoracic 7 (AAT7). Also called: AORTIC DISSECTION, FAMILIAL, WITH OR WITHOUT AORTIC ANEURYSM. Identifiers: MedGen C3151077, MONDO:0013418, OMIM 613780.

Allele frequency attached by ClinVar (database versions not stated): gnomAD exomes 0.00185; gnomAD 0.01955 and 0.02102; 1000 Genomes Project 0.01977; 1000 Genomes Project 30x 0.02139; TOPMed 0.02275.
gnomAD v4.1: 3,090 of 228,440 alleles (1.4%); highest among the groups gnomAD compares: African/African-American, 6.4%; 91 homozygotes.

Submission:

Illumina Laboratory Services, Illumina
Classification: Benign for Aortic aneurysm, familial thoracic 7. Last evaluated: 2018-01-12. Review status: criteria provided, single submitter. Criteria: ICSL Variant Classification Criteria 13 December 2019. Collection method: clinical testing. Allele origin: germline.
Comment: This variant was observed in the ICSL laboratory as part of a predisposition screen in an ostensibly healthy population. It had not been previously curated by ICSL or reported in the Human Gene Mutation Database (HGMD: prior to June 1st, 2018), and was therefore a candidate for classification through an automated scoring system. Utilizing variant allele frequency, disease prevalence and penetrance estimates, and inheritance mode, an automated score was calculated to assess if this variant is too frequent to cause the disease. Based on the score and internal cut-off values, a variant classified as benign is not then subjected to further curation. The score for this variant resulted in a classification of benign for this disease.